The following is an entry in ClinVar:

NM_000388.4(CASR):c.1723G>C (p.Asp575His)

Gene: CASR (calcium sensing receptor; plus strand). Cytogenetic location: 3q21.1.
Variant type: single nucleotide variant.
Coding change: c.1723G>C on transcript NM_000388.4 (MANE Select); coding-DNA position 1723, G replaced by C.
Protein change: p.Asp575His; replaces aspartic acid 575 with histidine.
Molecular consequence: missense variant.
Genome position (GRCh38, 1-based): chr3:122,282,227, G>C. VCF-style: chr3-122282227-G-C. GRCh37 (hg19) VCF-style: chr3-122001074-G-C.
Other names: c.1753G>C, p.Asp585His (NM_001178065.2); short protein forms D575H, D585H.
Identifiers: ClinVar variation 2447007 (VCV002447007.2), dbSNP rs2074899710, ClinGen allele CA354156361.

ClinVar aggregate classification (germline): Uncertain significance (1 of 4 stars; one submission).

Conditions:
Nephrolithiasis/nephrocalcinosis. Identifiers: MedGen CN580796.

Submission:

Ambry Genetics
Classification: Uncertain significance for Nephrolithiasis/nephrocalcinosis. Last evaluated: 2023-01-20. Review status: criteria provided, single submitter. Criteria: Ambry Variant Classification Scheme 2023. Collection method: clinical testing. Allele origin: germline.
Comment: The p.D575H variant (also known as c.1723G>C), located in coding exon 5 of the CASR gene, results from a G to C substitution at nucleotide position 1723. The aspartic acid at codon 575 is replaced by histidine, an amino acid with similar properties. This amino acid position is conserved. In addition, the in silico prediction for this alteration is inconclusive. Since supporting evidence is limited at this time, the clinical significance of this alteration remains unclear.